The following is an entry in ClinVar:

ClinVar aggregate classification (germline): Uncertain significance. Review status: criteria provided, single submitter (1 of 4 stars). 3 submissions from 3 submitters: Uncertain significance (1). 2 of the submissions do not count toward it. Last evaluated 2021-09-02.

Conditions:
Galactosylceramide beta-galactosidase deficiency. Also called: GALACTOCEREBROSIDASE DEFICIENCY; GALC DEFICIENCY; GLOBOID CELL LEUKOENCEPHALOPATHY; Leukodystrophy, Globoid Cell; Krabbe Disease. Identifiers: Orphanet 487, MedGen C0023521, MONDO:0009499, OMIM 245200.

Allele frequency attached by ClinVar (database versions not stated): gnomAD exomes below 0.00001 and 0.00002; gnomAD 0.00004 and 0.00005; TOPMed 0.00004; ExAC 0.00006; ESP Exome Variant Server 0.00009.
gnomAD v4.1: 11 of 1,582,694 alleles (0.0007%); highest among the groups gnomAD compares: African/African-American, 0.015%; no homozygotes.

Submissions (3):

Labcorp Genetics (formerly Invitae), Labcorp
Classification: Uncertain significance for Galactosylceramide beta-galactosidase deficiency. Last evaluated: 2021-09-02. Review status: criteria provided, single submitter. Criteria: Invitae Variant Classification Sherloc (09022015). Collection method: clinical testing. Allele origin: germline.
Comment: This sequence change replaces alanine with valine at codon 8 of the GALC protein (p.Ala8Val). The alanine residue is weakly conserved and there is a small physicochemical difference between alanine and valine. This variant is present in population databases (rs376511103, ExAC 0.1%). This missense change has been observed in individual(s) with clinical features of GALC-related conditions (PMID: 26795590). This variant is also known as c.-26C>T. Algorithms developed to predict the effect of missense changes on protein structure and function are either unavailable or do not agree on the potential impact of this missense change (SIFT: "Deleterious"; PolyPhen-2: "Probably Damaging"; Align-GVGD: "Class C0"). In summary, the available evidence is currently insufficient to determine the role of this variant in disease. Therefore, it has been classified as a Variant of Uncertain Significance.

Natera, Inc.
Classification: Uncertain significance for Galactosylceramide beta-galactosidase deficiency. Last evaluated: 2020-09-16. Review status: no assertion criteria provided. Collection method: clinical testing. Allele origin: germline. Not counted in ClinVar's aggregate classification.

Counsyl
Classification: Uncertain significance for Galactosylceramide beta-galactosidase deficiency. Last evaluated: 2017-05-23. Review status: no assertion criteria provided. Collection method: clinical testing. Allele origin: unknown. Not counted in ClinVar's aggregate classification.

Literature cited by the submitters: PubMed 26795590 (cited by Labcorp Genetics (formerly Invitae), Labcorp and Counsyl).

NM_000153.4(GALC):c.23C>T (p.Ala8Val)

Gene: GALC (galactosylceramidase; minus strand). Cytogenetic location: 14q31.3.
Variant type: single nucleotide variant.
Coding change: c.23C>T on transcript NM_000153.4 (MANE Select); coding-DNA position 23, C replaced by T.
Protein change: p.Ala8Val; replaces alanine 8 with valine.
Molecular consequence: missense variant. On other transcripts: intron variant (1).
Genome position (GRCh38, 1-based): chr14:87,993,142, G>A on the plus strand (C>T on the coding strand, the complement: GALC is on the minus strand). VCF-style: chr14-87993142-G-A. GRCh37 (hg19) VCF-style: chr14-88459486-G-A.
Other names: c.23C>T, p.Ala8Val (NM_001201401.2); c.117+241C>T (NM_001201402.2); short protein forms A8V.
Identifiers: ClinVar variation 552123 (VCV000552123.9), dbSNP rs376511103, ClinGen allele CA7297532.
Genomic context (GRCh38, chr14:87,993,142, plus strand): 5'-GCGGCGCGGCCCGCCGAACCCGCGGCCGCAGTCATAGCTTTCGCTCGGCGTTGCCAGGAA[G>A]CCGAGAGTAGCCACTCAGCCATTGTGTGGGTCACATGACTCCGGCGCCCAGGGAGGCGGG-3'
Protein context (NP_000144.2, residues 1-18): MAEWLLS[Ala8Val]SWQRRAKAMT